The following is an entry in ClinVar:

ClinVar aggregate classification (germline): Uncertain significance (1 of 4 stars; one submission).

Allele frequency attached by ClinVar (database versions not stated): gnomAD 0.00001; TOPMed 0.00001.
gnomAD v4.1: 1 of 1,614,082 alleles (0.000062%); highest among the groups gnomAD compares: African/African-American, 0.0013%; no homozygotes.

Submission:

Labcorp Genetics (formerly Invitae), Labcorp
Classification: Uncertain significance. Last evaluated: 2023-08-29. Review status: criteria provided, single submitter. Criteria: Invitae Variant Classification Sherloc (09022015). Collection method: clinical testing. Allele origin: germline.
Comment: This variant has not been reported in the literature in individuals affected with EMC1-related conditions. This variant is present in population databases (no rsID available, gnomAD 0.01%). This sequence change replaces serine, which is neutral and polar, with arginine, which is basic and polar, at codon 715 of the EMC1 protein (p.Ser715Arg). ClinVar contains an entry for this variant (Variation ID: 1440819). Advanced modeling of protein sequence and biophysical properties (such as structural, functional, and spatial information, amino acid conservation, physicochemical variation, residue mobility, and thermodynamic stability) performed at Invitae indicates that this missense variant is not expected to disrupt EMC1 protein function. In summary, the available evidence is currently insufficient to determine the role of this variant in disease. Therefore, it has been classified as a Variant of Uncertain Significance.

NM_015047.3(EMC1):c.2145C>A (p.Ser715Arg)

Genes: EMC1 (ER membrane protein complex subunit 1; minus strand), EMC1-AS1 (EMC1 antisense RNA 1; plus strand). Cytogenetic location: 1p36.13.
Variant type: single nucleotide variant.
Coding change: c.2145C>A on transcript NM_015047.3 (MANE Select); coding-DNA position 2145, C replaced by A.
Protein change: p.Ser715Arg; replaces serine 715 with arginine.
Molecular consequence: missense variant.
Genome position (GRCh38, 1-based): chr1:19,227,370, G>T on the plus strand (C>A on the coding strand, the complement: EMC1 is on the minus strand). VCF-style: chr1-19227370-G-T. GRCh37 (hg19) VCF-style: chr1-19553864-G-T.
Other names: c.2142C>A, p.Ser714Arg (NM_001271427.2, NM_001271428.2); c.2079C>A, p.Ser693Arg (NM_001271429.2); c.2154C>A, p.Ser718Arg (NM_001375820.1); c.2151C>A, p.Ser717Arg (NM_001375821.1); short protein forms S693R, S717R, S714R, S715R, S718R.
Identifiers: ClinVar variation 1440819 (VCV001440819.8), dbSNP rs1432089657, ClinGen allele CA338756748.